The following is an entry in ClinVar:

ClinVar aggregate classification (germline): Likely pathogenic (1 of 4 stars; one submission).

Conditions:
Occipital pachygyria and polymicrogyria. Identifiers: Orphanet 280640, MedGen C3279875, MONDO:0013583, OMIM 614115.

Submission:

Dasa
Classification: Likely pathogenic for Occipital pachygyria and polymicrogyria. Last evaluated: 2025-12-19. Review status: criteria provided, single submitter. Criteria: DASA Assertion Criteria. Collection method: clinical testing. Allele origin: germline.
Comment: NM_006059.4(LAMC3):c.2692del (p.Cys898Alafs*123) is a frameshift variant in LAMC3 predicted to alter the reading frame and introduce a premature termination codon and is predicted to result in an absent or altered protein product. Loss of function is an established disease mechanism for LAMC3-associated disorders. Also, this variant is rare in population databases. Based on the currently available evidence, this variant is classified as likely pathogenic.

NM_006059.4(LAMC3):c.2692del (p.Cys898fs)

Gene: LAMC3 (laminin subunit gamma 3; plus strand). Cytogenetic location: 9q34.12.
Variant type: Deletion.
Coding change: c.2692del on transcript NM_006059.4 (MANE Select); coding-DNA position 2692, one base deleted (T; older notation c.2692delT).
Protein change: p.Cys898fs; shifts the reading frame from cysteine 898.
Molecular consequence: frameshift variant.
Genome position (GRCh38, 1-based): chr9:131,068,176, T deleted. VCF-style (leftmost placement, unchanged base first): chr9-131068175-CT-C. GRCh37 (hg19) VCF-style: chr9-133943562-CT-C.
Other names: short protein forms C898fs.
Identifiers: ClinVar variation 4884276 (VCV004884276.2).